The following is an entry in ClinVar:

ClinVar aggregate classification (germline): Pathogenic (1 of 4 stars; one submission).

Submission:

Labcorp Genetics (formerly Invitae), Labcorp
Classification: Pathogenic. Last evaluated: 2022-11-22. Review status: criteria provided, single submitter. Criteria: Invitae Variant Classification Sherloc (09022015). Collection method: clinical testing. Allele origin: germline.
Comment: For these reasons, this variant has been classified as Pathogenic. This variant has not been reported in the literature in individuals affected with EYS-related conditions. This variant is not present in population databases (gnomAD no frequency). This sequence change creates a premature translational stop signal (p.Thr2240Asnfs*17) in the EYS gene. It is expected to result in an absent or disrupted protein product. Loss-of-function variants in EYS are known to be pathogenic (PMID: 18836446, 20333770).

Literature cited by the submitters: PubMed 18836446; PubMed 20333770.

NM_001142800.2(EYS):c.6719_6720del (p.Thr2240fs)

Gene: EYS (EGF-like photoreceptor maintenance factor; minus strand). Cytogenetic location: 6q12.
Variant type: Microsatellite.
Coding change: c.6719_6720del on transcript NM_001142800.2 (MANE Select); coding-DNA positions 6719 to 6720, 2 bases deleted (CA; older notation c.6719_6720delCA).
Protein change: p.Thr2240fs; shifts the reading frame from threonine 2240.
Molecular consequence: frameshift variant.
Genome position (GRCh38, 1-based): chr6:64,066,343-64,066,344, TG deleted on the plus strand (CA on the coding strand, the reverse complement: EYS is on the minus strand); deleting any 2 consecutive bases within chr6:64,066,343-64,066,346 gives the same sequence; the c. name uses the placement nearest the transcript's 3' end. VCF-style (leftmost placement, unchanged base first): chr6-64066342-TTG-T. GRCh37 (hg19) VCF-style: chr6-64776235-TTG-T.
Other names: c.6719_6720del, p.Thr2240fs (NM_001292009.2); short protein forms T2240fs.
Identifiers: ClinVar variation 1076532 (VCV001076532.7), dbSNP rs2149855637, ClinGen allele CA2580617279.